The following is an entry in ClinVar:

NM_032609.3(COX4I2):c.482G>A (p.Arg161His)

Gene: COX4I2 (cytochrome c oxidase subunit 4I2; plus strand). Cytogenetic location: 20q11.21.
Variant type: single nucleotide variant.
Coding change: c.482G>A on transcript NM_032609.3 (MANE Select); coding-DNA position 482, G replaced by A.
Protein change: p.Arg161His; replaces arginine 161 with histidine.
Molecular consequence: missense variant.
Genome position (GRCh38, 1-based): chr20:31,644,870, G>A. VCF-style: chr20-31644870-G-A. GRCh37 (hg19) VCF-style: chr20-30232673-G-A.
Other names: short protein forms R161H.
Identifiers: ClinVar variation 338039 (VCV000338039.13), dbSNP rs11907253, ClinGen allele CA9802000.

ClinVar aggregate classification (germline): Benign. Review status: criteria provided, multiple submitters, no conflicts (2 of 4 stars). 4 submissions from 4 submitters: Benign (3). 1 of the submissions does not count toward it. Last evaluated 2026-01-27.

Allele frequency attached by ClinVar (database versions not stated): 1000 Genomes Project 0.05731; gnomAD 0.06954; TOPMed 0.07578; 1000 Genomes Project 30x 0.05887; ESP Exome Variant Server 0.08558.
gnomAD v4.1: 115,632 of 1,613,840 alleles (7.2%); highest among the groups gnomAD compares: Middle Eastern, 13%; 4,535 homozygotes.

Submissions (4):

Labcorp Genetics (formerly Invitae), Labcorp
Classification: Benign. Last evaluated: 2026-01-27. Review status: criteria provided, single submitter. Criteria: Invitae Variant Classification Sherloc (09022015). Collection method: clinical testing. Allele origin: germline.

GeneDx
Classification: Benign. Last evaluated: 2015-12-02. Review status: criteria provided, single submitter. Criteria: GeneDx Variant Classification (06012015). Collection method: clinical testing. Allele origin: germline. Affected: yes.
Comment: This variant is considered likely benign or benign based on one or more of the following criteria: it is a conservative change, it occurs at a poorly conserved position in the protein, it is predicted to be benign by multiple in silico algorithms, and/or has population frequency not consistent with disease.

Breakthrough Genomics
Classification: Benign. Review status: criteria provided, single submitter. Criteria: ACMG Guidelines, 2015. Collection method: not provided. Allele origin: germline. Inheritance: Autosomal recessive inheritance. Affected: yes.

Mayo Clinic Laboratories, Mayo Clinic
Classification: Benign. Last evaluated: 2016-02-23. Review status: no assertion criteria provided. Collection method: clinical testing. Allele origin: unknown. Not counted in ClinVar's aggregate classification.